The following is an entry in ClinVar:

ClinVar aggregate classification (germline): Benign (0 of 4 stars; one submission).

Conditions:
MAFA-related disorder. Also called: MAFA-related condition.

Submission:

PreventionGenetics, part of Exact Sciences
Classification: Benign for MAFA-related condition. Last evaluated: 2019-03-01. Review status: no assertion criteria provided. Collection method: clinical testing. Allele origin: germline.
Comment: This variant is classified as benign based on ACMG/AMP sequence variant interpretation guidelines (Richards et al. 2015 PMID: 25741868, with internal and published modifications).

NM_201589.4(MAFA):c.594CCA[8] (p.His207_His208del)

Gene: MAFA (MAF bZIP transcription factor A; minus strand). Cytogenetic location: 8q24.3.
Variant type: Microsatellite.
Coding change: c.594CCA[8] on transcript NM_201589.4 (MANE Select); eight copies in a row of the 3-base unit CCA starting at c.594; the reference has ten copies in a row; two copies, 6 bases deleted.
Protein change: p.His207_His208del.
Genome position (GRCh38, 1-based): chr8:143,429,784-143,429,789, TGGTGG deleted on the plus strand (CCACCA on the coding strand, the reverse complement: MAFA is on the minus strand); deleting any 6 consecutive bases within chr8:143,429,784-143,429,813 gives the same sequence; the position shown is the placement nearest the transcript's 3' end. VCF-style (leftmost placement, unchanged base first): chr8-143429783-ATGGTGG-A. GRCh37 (hg19) VCF-style: chr8-144511953-ATGGTGG-A.
Identifiers: ClinVar variation 3055523 (VCV003055523.2), dbSNP rs141816879, ClinGen allele CA4909924.
Genomic context (GRCh38, chr8:143,429,783, plus strand): 5'-GGAGAAGCGCTCCTCCAGGCGCACGTGGTGGCCCGCGCCACCGCCGTGTCCCGCGCCGCC[ATGGTGG>A]TGGTGGTGGTGGTGGTGGTGGTGGGCGGCGTGGTGATGGTGGGCGGCGTGGTGCGCGCCG-3'